The following is an entry in ClinVar:

ClinVar aggregate classification (germline): Benign/Likely benign. Review status: criteria provided, multiple submitters, no conflicts (2 of 4 stars). 2 submissions from 2 submitters: Benign (1); Likely benign (1). Last evaluated 2025-02-19.

Conditions:
PTPN23-related disorder. Also called: PTPN23-related condition.

Allele frequency attached by ClinVar (database versions not stated): gnomAD exomes 0.00008 and 0.00014; ExAC 0.00010; gnomAD 0.00013 and 0.00015; TOPMed 0.00014; ESP Exome Variant Server 0.00015.

Submissions (2):

Labcorp Genetics (formerly Invitae), Labcorp
Classification: Benign. Last evaluated: 2025-02-19. Review status: criteria provided, single submitter. Criteria: Invitae Variant Classification Sherloc (09022015). Collection method: clinical testing. Allele origin: germline.

PreventionGenetics, part of Exact Sciences
Classification: Likely benign for PTPN23-related condition. Last evaluated: 2024-12-17. Review status: criteria provided, single submitter. Criteria: ACMG Guidelines, 2015. Collection method: clinical testing. Allele origin: germline.
Comment: This variant is classified as likely benign based on ACMG/AMP sequence variant interpretation guidelines (Richards et al. 2015 PMID: 25741868, with internal and published modifications).

NM_015466.4(PTPN23):c.993G>A (p.Gln331=)

Gene: PTPN23 (protein tyrosine phosphatase non-receptor type 23; plus strand). Cytogenetic location: 3p21.31.
Variant type: single nucleotide variant.
Coding change: c.993G>A on transcript NM_015466.4 (MANE Select); coding-DNA position 993, G replaced by A.
Protein change: p.Gln331=; no amino-acid change (glutamine 331 retained).
Molecular consequence: synonymous variant.
Genome position (GRCh38, 1-based): chr3:47,407,574, G>A. VCF-style: chr3-47407574-G-A. GRCh37 (hg19) VCF-style: chr3-47449064-G-A.
Other names: c.993G>A (NM_015466.3); c.615G>A, p.Gln205= (NM_001304482.2).
Identifiers: ClinVar variation 1607530 (VCV001607530.9), dbSNP rs145629019, ClinGen allele CA2365589.